The following is an entry in ClinVar:

NM_022455.5(NSD1):c.6899C>T (p.Ala2300Val)

Gene: NSD1 (nuclear receptor binding SET domain protein 1; plus strand). Cytogenetic location: 5q35.3.
Variant type: single nucleotide variant.
Coding change: c.6899C>T on transcript NM_022455.5 (MANE Select); coding-DNA position 6899, C replaced by T.
Protein change: p.Ala2300Val; replaces alanine 2300 with valine.
Molecular consequence: missense variant.
Genome position (GRCh38, 1-based): chr5:177,294,267, C>T. VCF-style: chr5-177294267-C-T. GRCh37 (hg19) VCF-style: chr5-176721268-C-T.
Other names: c.6026C>T, p.Ala2009Val (NM_001365684.2, NM_001409308.1, NM_172349.5); c.6899C>T, p.Ala2300Val (NM_001409301.1, NM_001409302.1, NM_001409303.1); c.6479C>T, p.Ala2160Val (NM_001409304.1); c.6146C>T, p.Ala2049Val (NM_001409305.1); c.6137C>T, p.Ala2046Val (NM_001409306.1, NM_001409307.1); c.5777C>T, p.Ala1926Val (NM_001409309.1); short protein forms A2049V, A1926V, A2046V, A2300V, A2160V, A2009V.
Identifiers: ClinVar variation 4626492 (VCV004626492.2).

ClinVar aggregate classification (germline): Uncertain significance. Review status: criteria provided, multiple submitters, no conflicts (2 of 4 stars). 2 submissions from 2 submitters: Uncertain significance (2). Last evaluated 2025-12-10.

Conditions:
Inborn genetic diseases. Identifiers: MedGen C0950123, MeSH D030342.

gnomAD v4.1: 2 of 1,613,450 alleles (0.00012%); highest among the groups gnomAD compares: Admixed American, 0.0033%; no homozygotes.

Submissions (2):

Ambry Genetics
Classification: Uncertain significance for Inborn genetic diseases. Last evaluated: 2025-12-10. Review status: criteria provided, single submitter. Criteria: Ambry Variant Classification Scheme 2023. Collection method: clinical testing. Allele origin: germline.

Labcorp Genetics (formerly Invitae), Labcorp
Classification: Uncertain significance. Last evaluated: 2025-08-29. Review status: criteria provided, single submitter. Criteria: Invitae Variant Classification Sherloc (09022015). Collection method: clinical testing. Allele origin: germline.
Comment: This sequence change replaces alanine, which is neutral and non-polar, with valine, which is neutral and non-polar, at codon 2300 of the NSD1 protein (p.Ala2300Val). This variant is not present in population databases (gnomAD no frequency). This variant has not been reported in the literature in individuals affected with NSD1-related conditions. Invitae Evidence Modeling of protein sequence and biophysical properties (such as structural, functional, and spatial information, amino acid conservation, physicochemical variation, residue mobility, and thermodynamic stability) indicates that this missense variant is not expected to disrupt NSD1 protein function with a negative predictive value of 95%. In summary, the available evidence is currently insufficient to determine the role of this variant in disease. Therefore, it has been classified as a Variant of Uncertain Significance.